The following is an entry in ClinVar:

NM_001376.5(DYNC1H1):c.8272C>T (p.Leu2758Phe)

Gene: DYNC1H1 (dynein cytoplasmic 1 heavy chain 1; plus strand). Cytogenetic location: 14q32.31.
Variant type: single nucleotide variant.
Coding change: c.8272C>T on transcript NM_001376.5 (MANE Select); coding-DNA position 8272, C replaced by T.
Protein change: p.Leu2758Phe; replaces leucine 2758 with phenylalanine.
Molecular consequence: missense variant.
Genome position (GRCh38, 1-based): chr14:102,018,545, C>T. VCF-style: chr14-102018545-C-T. GRCh37 (hg19) VCF-style: chr14-102484882-C-T.
Other names: short protein forms L2758F.
Identifiers: ClinVar variation 3668859 (VCV003668859.2).

ClinVar aggregate classification (germline): Uncertain significance (1 of 4 stars; one submission).

Conditions:
Charcot-Marie-Tooth disease axonal type 2O. Also called: CHARCOT-MARIE-TOOTH NEUROPATHY, AXONAL, TYPE 2O; CHARCOT-MARIE-TOOTH DISEASE, AXONAL, AUTOSOMAL DOMINANT, TYPE 2O; Charcot-Marie-Tooth Neuropathy Type 2O; Charcot-Marie-Tooth disease, axonal, type 20. Identifiers: Orphanet 284232, MedGen C3280220, MONDO:0013644, OMIM 614228.

gnomAD v4.1: 3 of 1,614,130 alleles (0.00019%); highest among the groups gnomAD compares: Non-Finnish European, 0.00017%; no homozygotes.

Submission:

Labcorp Genetics (formerly Invitae), Labcorp
Classification: Uncertain significance for Charcot-Marie-Tooth disease axonal type 2O. Last evaluated: 2024-11-21. Review status: criteria provided, single submitter. Criteria: Invitae Variant Classification Sherloc (09022015). Collection method: clinical testing. Allele origin: germline.
Comment: This sequence change replaces leucine, which is neutral and non-polar, with phenylalanine, which is neutral and non-polar, at codon 2758 of the DYNC1H1 protein (p.Leu2758Phe). This variant is not present in population databases (gnomAD no frequency). This variant has not been reported in the literature in individuals affected with DYNC1H1-related conditions. Invitae Evidence Modeling of protein sequence and biophysical properties (such as structural, functional, and spatial information, amino acid conservation, physicochemical variation, residue mobility, and thermodynamic stability) indicates that this missense variant is not expected to disrupt DYNC1H1 protein function with a negative predictive value of 95%. In summary, the available evidence is currently insufficient to determine the role of this variant in disease. Therefore, it has been classified as a Variant of Uncertain Significance.